The following is an entry in ClinVar:

NM_001349338.3(FOXP1):c.1737G>C (p.Glu579Asp)

Gene: FOXP1 (forkhead box P1; minus strand). Cytogenetic location: 3p13.
Variant type: single nucleotide variant.
Coding change: c.1737G>C on transcript NM_001349338.3 (MANE Select); coding-DNA position 1737, G replaced by C.
Protein change: p.Glu579Asp; replaces glutamic acid 579 with aspartic acid.
Molecular consequence: missense variant. On other transcripts: non-coding transcript variant (2).
Genome position (GRCh38, 1-based): chr3:70,966,042, C>G on the plus strand (G>C on the coding strand, the complement: FOXP1 is on the minus strand). VCF-style: chr3-70966042-C-G. GRCh37 (hg19) VCF-style: chr3-71015193-C-G.
Other names: c.1509G>C, p.Glu503Asp (NM_001244812.3); c.1437G>C, p.Glu479Asp (NM_001244813.3, NM_001244815.2, NM_001349342.3); c.1737G>C, p.Glu579Asp (NM_001244814.3, NM_001244816.2, NM_001349340.3 and 1 more transcripts); c.1434G>C, p.Glu478Asp (NM_001349337.2, NM_001349343.3, NM_001349344.3 and 1 more transcripts); c.1734G>C, p.Glu578Asp (NM_001349341.3, NM_001244808.3); c.1785G>C, p.Glu595Asp (NM_001244810.2); short protein forms E478D, E479D, E503D, E578D, E579D, E595D.
Identifiers: ClinVar variation 1336670 (VCV001336670.18), dbSNP rs756328632, ClinGen allele CA2490831.

ClinVar aggregate classification (germline): Likely benign. Review status: criteria provided, multiple submitters, no conflicts (2 of 4 stars). 2 submissions from 2 submitters: Likely benign (2). Last evaluated 2024-09-01.

Allele frequency attached by ClinVar (database versions not stated): gnomAD exomes 0.00005; ExAC 0.00007.
gnomAD v4.1: 26 of 1,614,116 alleles (0.0016%); highest among the groups gnomAD compares: South Asian, 0.02%; 2 homozygotes.

Submissions (2):

CeGaT Center for Human Genetics Tuebingen
Classification: Likely benign. Last evaluated: 2024-09-01. Review status: criteria provided, single submitter. Criteria: CeGaT Center For Human Genetics Tuebingen Variant Classification Criteria Version 2. Collection method: clinical testing. Allele origin: germline. Affected: yes. Observed: 1 variant allele.
Comment: FOXP1: BS2

Genetic Services Laboratory, University of Chicago
Classification: Likely benign. Last evaluated: 2018-08-23. Review status: criteria provided, single submitter. Criteria: ACMG Guidelines, 2015. Collection method: clinical testing. Allele origin: germline. Affected: no.